The following is an entry in ClinVar:

NM_000748.3(CHRNB2):c.256-41C>T

Gene: CHRNB2 (cholinergic receptor nicotinic beta 2 subunit; plus strand). Cytogenetic location: 1q21.3.
Variant type: single nucleotide variant.
Coding change: c.256-41C>T on transcript NM_000748.3 (MANE Select); 41 bases into the intron before coding-DNA position 256, C replaced by T.
Molecular consequence: intron variant.
Genome position (GRCh38, 1-based): chr1:154,570,217, C>T. VCF-style: chr1-154570217-C-T. GRCh37 (hg19) VCF-style: chr1-154542693-C-T.
Identifiers: ClinVar variation 670850 (VCV000670850.2), dbSNP rs74119104, ClinGen allele CA1130682.
Genomic context (GRCh38, chr1:154,570,217, plus strand): 5'-AAAGGTCCCTCAAGCCATATGGGCCCCCTCTAGTTCGTTTCCTTAACCTTGAGCCCCACC[C>T]AGGGCACAAGTTGGTACTGCCTCCCTCTCTCATTTCCCAGGAGTGGGAAGATTATCGCCT-3'

ClinVar aggregate classification (germline): Benign. Review status: criteria provided, multiple submitters, no conflicts (2 of 4 stars). 2 submissions from 2 submitters: Benign (2). Last evaluated 2018-06-14.

Allele frequency attached by ClinVar (database versions not stated): gnomAD exomes 0.00210 and 0.00534; ExAC 0.00963; 1000 Genomes Project 0.02236; gnomAD 0.02239 and 0.02398; 1000 Genomes Project 30x 0.02327; TOPMed 0.02390; ESP Exome Variant Server 0.02522.
gnomAD v4.1: 6,046 of 1,378,336 alleles (0.44%); highest among the groups gnomAD compares: African/African-American, 7.8%; 231 homozygotes.

Submissions (2):

GeneDx
Classification: Benign. Last evaluated: 2018-06-14. Review status: criteria provided, single submitter. Criteria: GeneDx Variant Classification (06012015). Collection method: clinical testing. Allele origin: germline. Affected: yes.
Comment: This variant is considered likely benign or benign based on one or more of the following criteria: it is a conservative change, it occurs at a poorly conserved position in the protein, it is predicted to be benign by multiple in silico algorithms, and/or has population frequency not consistent with disease.

Breakthrough Genomics
Classification: Benign. Review status: criteria provided, single submitter. Criteria: ACMG Guidelines, 2015. Collection method: not provided. Allele origin: germline. Inheritance: Unknown mechanism. Affected: yes.